The following is an entry in ClinVar:

NM_001298.3(CNGA3):c.847C>T (p.Arg283Trp)

Gene: CNGA3 (cyclic nucleotide gated channel subunit alpha 3; plus strand). Cytogenetic location: 2q11.2.
Variant type: single nucleotide variant.
Coding change: c.847C>T on transcript NM_001298.3 (MANE Select); coding-DNA position 847, C replaced by T.
Protein change: p.Arg283Trp; replaces arginine 283 with tryptophan.
Molecular consequence: missense variant.
Genome position (GRCh38, 1-based): chr2:98,396,017, C>T. VCF-style: chr2-98396017-C-T. GRCh37 (hg19) VCF-style: chr2-99012480-C-T.
Other names: NP_001289.1:p.(Arg283Trp); c.793C>T, p.Arg265Trp (NM_001079878.2); short protein forms R283W, R265W.
Identifiers: ClinVar variation 9474 (VCV000009474.59), dbSNP rs104893613, ClinGen allele CA254820.
Genomic context (GRCh38, chr2:98,396,017, plus strand): 5'-TACTTAAAGGTGGGCACAAACTACCCAGAAGTGAGGTTCAACCGCCTACTGAAGTTTTCC[C>T]GGCTCTTTGAATTCTTTGACCGCACAGAGACAAGGACCAACTACCCCAATATGTTCAGGA-3'
Protein context (NP_001289.1, residues 273-293): VRFNRLLKFS[Arg283Trp]LFEFFDRTET

ClinVar aggregate classification (germline): Pathogenic/Likely pathogenic. Review status: criteria provided, multiple submitters, no conflicts (2 of 4 stars). 18 submissions from 16 submitters: Pathogenic (12); Likely pathogenic (2). 4 of the submissions do not count toward it. Last evaluated 2026-08-14.

Conditions:
CNGA3-related disorders.
CNGA3-related disorder. Also called: CNGA3-related condition.
Retinal dystrophy. Also called: Inherited retinal dystrophy. Identifiers: Orphanet 71862, MedGen C0854723, MeSH D058499, MONDO:0019118, HP:0000556.
Achromatopsia 2 (ACHM2). Also called: COLORBLINDNESS, TOTAL; ROD MONOCHROMACY 2; ROD MONOCHROMATISM 2. Identifiers: Orphanet 49382, MedGen C1857618, MONDO:0009003, OMIM 216900.
Retinal disorder. Also called: Retinopathies; Retinal Diseases; Retinal disorders; Retinopathy. Identifiers: MedGen C0035309, MONDO:0005283, HP:0000488.
Complete achromatopsia. Also called: Monochromacy; Complete Achromatopsia (Rod Monochromatism, Total Color Blindness). Identifiers: MedGen C5201048, HP:0007803.

Allele frequency attached by ClinVar (database versions not stated): gnomAD 0.00002; gnomAD exomes 0.00005 and 0.00010; TOPMed 0.00005; ExAC 0.00014.
gnomAD v4.1: 77 of 1,614,082 alleles (0.0048%); highest among the groups gnomAD compares: Middle Eastern, 0.049%; no homozygotes.

Submissions (18):

North West Genomic Laboratory Hub, Manchester University NHS Foundation Trust
Classification: Pathogenic for Retinal disorders. Last evaluated: 2026-08-14. Review status: criteria provided, single submitter. Criteria: ACGS Best Practice Guidelines for Variant Classification in Rare Disease 2024. Collection method: clinical testing. Allele origin: germline. Affected: yes.
Comment: PM5_Str PS3_Mod PM3_VStr PM2_Mod PP3_Supp

PreventionGenetics, part of Exact Sciences
Classification: Pathogenic for CNGA3-related condition. Last evaluated: 2026-01-02. Review status: criteria provided, single submitter. Criteria: ACMG Guidelines, 2015. Collection method: clinical testing. Allele origin: germline.
Comment: The CNGA3 c.847C>T variant is predicted to result in the amino acid substitution p.Arg283Trp. This variant has been reported in individuals with CNGA3-related retinal disease (see for examples, Kohl et al. 1998. PubMed ID: 9662398; Brunetti-Pierri et al. 2021. PubMed ID: 33562422). A variant impacting the same amino acid has also been reported in individuals with CNGA3-related retinal disease (p.Arg283Gln, Kohl et al. 1998. PubMed ID: 9662398). Functional studies have shown that the p.Arg283Trp variant reduces channel function (Muraki-Oda et al. 2007. PubMed ID: 17693388). This variant is reported in 0.018% of alleles in individuals of European (Non-Finnish) descent in gnomAD. This variant is interpreted as pathogenic.

Dubai Health Genomic Medicine Center, Dubai Health
Classification: Pathogenic for Achromatopsia 2. Last evaluated: 2024-10-04. Review status: criteria provided, single submitter. Criteria: ACMG Guidelines, 2015. Collection method: research. Allele origin: germline. Affected: yes.
Comment: PS3,PP1,PM3,PM2,PM5,PP3

Ophthalmic Genetics Group, Institute of Molecular and Clinical Ophthalmology Basel
Classification: Pathogenic for Retinal dystrophy. Last evaluated: 2024-05-27. Review status: criteria provided, single submitter. Criteria: ACMG Guidelines, 2015. Collection method: research. Allele origin: germline. Affected: yes. Observed: 3 variant alleles.
Comment: This variant was classified as Pathogenic based on ACMG criteria: PS3_sup, PM1_mod, PM2_mod, PM5_mod, PP2_sup and PM3_very strong

Fulgent Genetics
Classification: Pathogenic for Achromatopsia 2. Last evaluated: 2024-04-02. Review status: criteria provided, single submitter. Criteria: ACMG Guidelines, 2015. Collection method: clinical testing. Allele origin: germline.

Labcorp Genetics (formerly Invitae), Labcorp
Classification: Pathogenic. Last evaluated: 2024-03-07. Review status: criteria provided, single submitter. Criteria: Invitae Variant Classification Sherloc (09022015). Collection method: clinical testing. Allele origin: germline.
Comment: This sequence change replaces arginine, which is basic and polar, with tryptophan, which is neutral and slightly polar, at codon 283 of the CNGA3 protein (p.Arg283Trp). This variant is present in population databases (rs104893613, gnomAD 0.02%). This missense change has been observed in individual(s) with achromatopsia (PMID: 9662398, 11536077, 24504161, 25637600, 26992781). In at least one individual the data is consistent with being in trans (on the opposite chromosome) from a pathogenic variant. It has also been observed to segregate with disease in related individuals. ClinVar contains an entry for this variant (Variation ID: 9474). Advanced modeling of protein sequence and biophysical properties (such as structural, functional, and spatial information, amino acid conservation, physicochemical variation, residue mobility, and thermodynamic stability) performed at Invitae indicates that this missense variant is expected to disrupt CNGA3 protein function with a positive predictive value of 95%. Experimental studies have shown that this missense change affects CNGA3 function (PMID: 17693388, 20238023). For these reasons, this variant has been classified as Pathogenic.

Blueprint Genetics
Classification: Pathogenic for CNGA3-related disorders. Last evaluated: 2023-12-29. Review status: criteria provided, single submitter. Criteria: ACMG Guidelines, 2015. Collection method: clinical testing. Allele origin: germline. Affected: yes. Observed: 5 variant alleles.

Baylor Genetics
Classification: Pathogenic for Achromatopsia 2. Last evaluated: 2023-07-08. Review status: criteria provided, single submitter. Criteria: ACMG Guidelines, 2015. Collection method: clinical testing. Allele origin: unknown.

Institute of Human Genetics, Univ. Regensburg, Univ. Regensburg
Classification: Pathogenic for Retinal dystrophy. Last evaluated: 2023-01-01. Review status: criteria provided, single submitter. Criteria: ACMG Guidelines, 2015. Collection method: clinical testing. Allele origin: germline. Affected: yes.

CeGaT Center for Human Genetics Tuebingen
Classification: Pathogenic. Last evaluated: 2022-10-01. Review status: criteria provided, single submitter. Criteria: CeGaT Center For Human Genetics Tuebingen Variant Classification Criteria Version 2. Collection method: clinical testing. Allele origin: germline. Affected: yes. Observed: 4 variant alleles.

GeneDx
Classification: Pathogenic. Last evaluated: 2021-11-26. Review status: criteria provided, single submitter. Criteria: GeneDx Variant Classification Process June 2021. Collection method: clinical testing. Allele origin: germline. Affected: yes.
Comment: Published functional studies demonstrate a damaging effect consistent with loss-of-function (Muraki-Oda et al., 2007; Ding et al., 2010); In silico analysis supports that this missense variant has a deleterious effect on protein structure/function; This variant is associated with the following publications: (PMID: 26992781, 31237654, 32141364, 20238023, 24504161, 9662398, 16319819, 17693388, 11536077, 30682209, 31877759, 32869108, 33562422, 32037395)

Institute of Medical Genetics and Applied Genomics, University Hospital Tübingen
Classification: Pathogenic. Last evaluated: 2021-09-15. Review status: criteria provided, single submitter. Criteria: ACMG Guidelines, 2015. Collection method: clinical testing. Allele origin: germline. Inheritance: Autosomal recessive inheritance. Affected: yes.

Centre for Mendelian Genomics, University Medical Centre Ljubljana
Classification: Likely pathogenic for Achromatopsia 2. Last evaluated: 2019-09-12. Review status: criteria provided, single submitter. Criteria: ACMG Guidelines, 2015. Collection method: clinical testing. Allele origin: unknown. Affected: yes.
Comment: This variant was classified as: Likely pathogenic. The following ACMG criteria were applied in classifying this variant: PM1,PM2,PM5,PP3,PP5.

Centre for Mendelian Genomics, University Medical Centre Ljubljana
Classification: Likely pathogenic for Complete achromatopsia. Last evaluated: 2014-07-21. Review status: criteria provided, single submitter. Criteria: ACMG Guidelines, 2015. Collection method: clinical testing. Allele origin: unknown. Affected: yes.

Joint Genome Diagnostic Labs from Nijmegen and Maastricht, Radboudumc and MUMC+
Classification: Pathogenic for Achromatopsia 2. Last evaluated: 2016-09-01. Review status: no assertion criteria provided. Collection method: clinical testing. Allele origin: unknown. Affected: yes. Observed: 1 variant allele. Not counted in ClinVar's aggregate classification.

OMIM
Classification: Pathogenic for ACHROMATOPSIA 2. Last evaluated: 2001-10-01. Review status: no assertion criteria provided. Collection method: literature only. Allele origin: germline. Not counted in ClinVar's aggregate classification.

Clinical Genetics DNA and cytogenetics Diagnostics Lab, Erasmus MC, Erasmus Medical Center
Classification: Pathogenic. Review status: no assertion criteria provided. Collection method: clinical testing. Allele origin: germline. Affected: yes. Study: VKGL Data-share Consensus. Not counted in ClinVar's aggregate classification.

Joint Genome Diagnostic Labs from Nijmegen and Maastricht, Radboudumc and MUMC+
Classification: Pathogenic. Review status: no assertion criteria provided. Collection method: clinical testing. Allele origin: germline. Affected: yes. Study: VKGL Data-share Consensus. Not counted in ClinVar's aggregate classification.

Literature cited by the submitters: PubMed 9662398 (cited by 4 submitters); PubMed 11536077 (cited by 3 submitters); PubMed 40180963 (cited by Ophthalmic Genetics Group, Institute of Molecular and Clinical Ophthalmology Basel); PubMed 24504161 (cited by Labcorp Genetics (formerly Invitae), Labcorp and Institute of Human Genetics, Univ. Regensburg, Univ. Regensburg); PubMed 25637600 (cited by Labcorp Genetics (formerly Invitae), Labcorp); PubMed 26992781 (cited by Labcorp Genetics (formerly Invitae), Labcorp and Institute of Human Genetics, Univ. Regensburg, Univ. Regensburg); PubMed 17693388 (cited by Labcorp Genetics (formerly Invitae), Labcorp and Institute of Human Genetics, Univ. Regensburg, Univ. Regensburg); PubMed 20238023 (cited by Labcorp Genetics (formerly Invitae), Labcorp and Institute of Human Genetics, Univ. Regensburg, Univ. Regensburg); PubMed 30682209 (cited by Institute of Human Genetics, Univ. Regensburg, Univ. Regensburg); PubMed 31725702 (cited by Institute of Human Genetics, Univ. Regensburg, Univ. Regensburg); PubMed 31237654 (cited by Institute of Human Genetics, Univ. Regensburg, Univ. Regensburg); PubMed 31877759 (cited by Institute of Human Genetics, Univ. Regensburg, Univ. Regensburg); PubMed 31964843 (cited by Institute of Human Genetics, Univ. Regensburg, Univ. Regensburg); PubMed 31429209 (cited by Institute of Human Genetics, Univ. Regensburg, Univ. Regensburg); PubMed 32869108 (cited by Institute of Human Genetics, Univ. Regensburg, Univ. Regensburg); PubMed 32531858 (cited by Institute of Human Genetics, Univ. Regensburg, Univ. Regensburg); PubMed 32037395 (cited by Institute of Human Genetics, Univ. Regensburg, Univ. Regensburg); PubMed 32141364 (cited by Institute of Human Genetics, Univ. Regensburg, Univ. Regensburg); PubMed 33562422 (cited by Institute of Human Genetics, Univ. Regensburg, Univ. Regensburg); PubMed 34449556 (cited by Institute of Human Genetics, Univ. Regensburg, Univ. Regensburg); PubMed 36460718 (cited by Institute of Human Genetics, Univ. Regensburg, Univ. Regensburg); PubMed 36284460 (cited by Institute of Human Genetics, Univ. Regensburg, Univ. Regensburg); PubMed 35456423 (cited by Institute of Human Genetics, Univ. Regensburg, Univ. Regensburg); PubMed 36833446 (cited by Institute of Human Genetics, Univ. Regensburg, Univ. Regensburg).